The following is an entry in ClinVar:

ClinVar aggregate classification (germline): Likely benign. Review status: criteria provided, multiple submitters, no conflicts (2 of 4 stars). 3 submissions from 3 submitters: Likely benign (2). 1 of the submissions does not count toward it. Last evaluated 2018-05-18.

Conditions:
PTPN22-related disorder. Also called: PTPN22-related condition.

Allele frequency attached by ClinVar (database versions not stated): gnomAD 0.00230 and 0.00245; TOPMed 0.00258; 1000 Genomes Project 0.00280; ESP Exome Variant Server 0.00284; 1000 Genomes Project 30x 0.00328.
gnomAD v4.1: 723 of 1,613,910 alleles (0.045%); highest among the groups gnomAD compares: African/African-American, 0.79%; 6 homozygotes.

Submissions (3):

Labcorp Genetics (formerly Invitae), Labcorp
Classification: Likely benign. Last evaluated: 2018-05-18. Review status: criteria provided, single submitter. Criteria: Invitae Variant Classification Sherloc (09022015). Collection method: clinical testing. Allele origin: germline.

Breakthrough Genomics
Classification: Likely benign. Review status: criteria provided, single submitter. Criteria: ACMG Guidelines, 2015. Collection method: not provided. Allele origin: germline. Inheritance: Autosomal recessive inheritance. Affected: yes.

PreventionGenetics, part of Exact Sciences
Classification: Benign for PTPN22-related condition. Last evaluated: 2019-11-14. Review status: no assertion criteria provided. Collection method: clinical testing. Allele origin: germline. Not counted in ClinVar's aggregate classification.
Comment: This variant is classified as benign based on ACMG/AMP sequence variant interpretation guidelines (Richards et al. 2015 PMID: 25741868, with internal and published modifications).

NM_015967.8(PTPN22):c.1627A>G (p.Ser543Gly)

Genes: PTPN22 (protein tyrosine phosphatase non-receptor type 22; minus strand), AP4B1-AS1 (AP4B1 antisense RNA 1; plus strand). Cytogenetic location: 1p13.2.
Variant type: single nucleotide variant.
Coding change: c.1627A>G on transcript NM_015967.8 (MANE Select); coding-DNA position 1627, A replaced by G.
Protein change: p.Ser543Gly; replaces serine 543 with glycine.
Molecular consequence: missense variant.
Genome position (GRCh38, 1-based): chr1:113,837,773, T>C on the plus strand (A>G on the coding strand, the complement: PTPN22 is on the minus strand). VCF-style: chr1-113837773-T-C. GRCh37 (hg19) VCF-style: chr1-114380395-T-C.
Other names: c.1627A>G, p.Ser543Gly (NM_001193431.3); c.1555A>G, p.Ser519Gly (NM_001308297.2); c.1462A>G, p.Ser488Gly (NM_012411.6); short protein forms S488G, S519G, S543G.
Identifiers: ClinVar variation 791808 (VCV000791808.7), dbSNP rs114092230, ClinGen allele CA1014992.